The following is an entry in ClinVar:

ClinVar aggregate classification (germline): Uncertain significance. Review status: criteria provided, multiple submitters, no conflicts (2 of 4 stars). 2 submissions from 2 submitters: Uncertain significance (2). Last evaluated 2024-08-05.

Conditions:
Inborn genetic diseases. Identifiers: MedGen C0950123, MeSH D030342.

Allele frequency attached by ClinVar (database versions not stated): TOPMed 0.00001; gnomAD 0.00003.
gnomAD v4.1: 5 of 1,613,892 alleles (0.00031%); highest among the groups gnomAD compares: Non-Finnish European, 0.00042%; no homozygotes.

Submissions (2):

Ambry Genetics
Classification: Uncertain significance for Inborn genetic diseases. Last evaluated: 2024-08-05. Review status: criteria provided, single submitter. Criteria: Ambry Variant Classification Scheme 2023. Collection method: clinical testing. Allele origin: germline.

Labcorp Genetics (formerly Invitae), Labcorp
Classification: Uncertain significance. Last evaluated: 2022-02-05. Review status: criteria provided, single submitter. Criteria: Invitae Variant Classification Sherloc (09022015). Collection method: clinical testing. Allele origin: germline.
Comment: This sequence change replaces leucine, which is neutral and non-polar, with valine, which is neutral and non-polar, at codon 731 of the HPS6 protein (p.Leu731Val). This variant is present in population databases (no rsID available, gnomAD 0.002%). This variant has not been reported in the literature in individuals affected with HPS6-related conditions. Algorithms developed to predict the effect of missense changes on protein structure and function are either unavailable or do not agree on the potential impact of this missense change (SIFT: "Tolerated"; PolyPhen-2: "Probably Damaging"; Align-GVGD: "Class C0"). In summary, the available evidence is currently insufficient to determine the role of this variant in disease. Therefore, it has been classified as a Variant of Uncertain Significance.

NM_024747.6(HPS6):c.2191C>G (p.Leu731Val)

Gene: HPS6 (HPS6 biogenesis of lysosomal organelles complex 2 subunit 3; plus strand). Cytogenetic location: 10q24.32.
Variant type: single nucleotide variant.
Coding change: c.2191C>G on transcript NM_024747.6 (MANE Select); coding-DNA position 2191, C replaced by G.
Protein change: p.Leu731Val; replaces leucine 731 with valine.
Molecular consequence: missense variant.
Genome position (GRCh38, 1-based): chr10:102,067,665, C>G. VCF-style: chr10-102067665-C-G. GRCh37 (hg19) VCF-style: chr10-103827422-C-G.
Other names: short protein forms L731V.
Identifiers: ClinVar variation 1934257 (VCV001934257.3), dbSNP rs753594956, ClinGen allele CA377876904.